The following is an entry in ClinVar:

ClinVar aggregate classification (germline): Uncertain significance. Review status: criteria provided, single submitter (1 of 4 stars). 2 submissions from 2 submitters: Uncertain significance (1). 1 of the submissions does not count toward it. Last evaluated 2022-03-08.

Conditions:
Bloom syndrome (BLM). Also called: Bloom-Torre-Machacek syndrome. Identifiers: Orphanet 125, MedGen C0005859, MONDO:0008876, OMIM 210900.

Submissions (2):

Labcorp Genetics (formerly Invitae), Labcorp
Classification: Uncertain significance for Bloom syndrome. Last evaluated: 2022-03-08. Review status: criteria provided, single submitter. Criteria: Invitae Variant Classification Sherloc (09022015). Collection method: clinical testing. Allele origin: germline.
Comment: This variant is not present in population databases (gnomAD no frequency). This sequence change replaces aspartic acid, which is acidic and polar, with asparagine, which is neutral and polar, at codon 1158 of the BLM protein (p.Asp1158Asn). This variant has not been reported in the literature in individuals affected with BLM-related conditions. In summary, the available evidence is currently insufficient to determine the role of this variant in disease. Therefore, it has been classified as a Variant of Uncertain Significance. Algorithms developed to predict the effect of missense changes on protein structure and function are either unavailable or do not agree on the potential impact of this missense change (SIFT: "Tolerated"; PolyPhen-2: "Probably Damaging"; Align-GVGD: "Class C0"). ClinVar contains an entry for this variant (Variation ID: 570373).

Natera, Inc.
Classification: Uncertain significance for Bloom syndrome. Last evaluated: 2021-08-10. Review status: no assertion criteria provided. Collection method: clinical testing. Allele origin: germline. Not counted in ClinVar's aggregate classification.

NM_000057.4(BLM):c.3472G>A (p.Asp1158Asn)

Gene: BLM (BLM RecQ like helicase; plus strand). Cytogenetic location: 15q26.1.
Variant type: single nucleotide variant.
Coding change: c.3472G>A on transcript NM_000057.4 (MANE Select); coding-DNA position 3472, G replaced by A.
Protein change: p.Asp1158Asn; replaces aspartic acid 1158 with asparagine.
Molecular consequence: missense variant. On other transcripts: intron variant (1).
Genome position (GRCh38, 1-based): chr15:90,803,634, G>A. VCF-style: chr15-90803634-G-A. GRCh37 (hg19) VCF-style: chr15-91346864-G-A.
Other names: c.3472G>A, p.Asp1158Asn (NM_001287246.2); c.2347G>A, p.Asp783Asn (NM_001287248.2); c.3358+5297G>A (NM_001287247.2); short protein forms D1158N, D783N.
Identifiers: ClinVar variation 570373 (VCV000570373.12), dbSNP rs1567062737, ClinGen allele CA393847672.
Genomic context (GRCh38, chr15:90,803,634, plus strand): 5'-TCACGACACAATGCCGAAAGACTTTTTAAAAAGCTGATACTTGACAAGATTTTGGATGAA[G>A]ACTTATATATCAATGCCAATGACCAGGCGATCGCTTATGTGATGCTCGGAAATAAAGCCC-3'
Protein context (NP_000048.1, residues 1148-1168): KLILDKILDE[Asp1158Asn]LYINANDQAI